The following is an entry in ClinVar:

ClinVar aggregate classification (germline): Likely pathogenic (1 of 4 stars; one submission).

Conditions:
Neurofibromatosis, type 1 (NF1). Also called: NEUROFIBROMATOSIS, TYPE I, SOMATIC; Peripheral type neurofibromatosis; Neurofibromatosis, type I; VON RECKLINGHAUSEN DISEASE. Identifiers: Orphanet 636, MedGen C0027831, MONDO:0018975, OMIM 162200. Disease mechanism: loss of function.

Submission:

The Shared Resource Centre "Genome", Research Centre for Medical Genetics
Classification: Likely pathogenic for Neurofibromatosis, type 1. Last evaluated: 2026-06-25. Review status: criteria provided, single submitter. Criteria: ACMG Guidelines, 2015. Collection method: clinical testing. Allele origin: germline. Inheritance: Autosomal dominant inheritance. Affected: yes. Observed: 1 variant allele, 1 heterozygote.
Comment: Classified as Likely pathogenic according to ACMG/AMP 2015 criteria (Richards et al., 2015): PVS1, PM2. Variant identified in a Russian cohort referred for suspected Noonan syndrome or Noonan-like phenotypes; not previously reported in HGMD Professional or ClinVar at the time of analysis.

NM_001042492.3(NF1):c.1395del (p.Thr467fs)

Gene: NF1 (neurofibromin 1; plus strand). Cytogenetic location: 17q11.2.
Variant type: Deletion.
Coding change: c.1395del on transcript NM_001042492.3 (MANE Select); coding-DNA position 1395, one base deleted (T; older notation c.1395delT).
Protein change: p.Thr467fs; shifts the reading frame from threonine 467.
Molecular consequence: frameshift variant.
Genome position (GRCh38, 1-based): chr17:31,214,453, T deleted. VCF-style (leftmost placement, unchanged base first): chr17-31214452-GT-G. GRCh37 (hg19) VCF-style: chr17-29541470-GT-G.
Other names: c.1395del, p.Thr467fs (NM_001128147.3, NM_000267.4); c.1395delT, p.Thr467Hisfs (NM_000267.3); short protein forms T467fs.
Identifiers: ClinVar variation 4857315 (VCV004857315.1).